The following is an entry in ClinVar:

ClinVar aggregate classification (germline): Pathogenic. Review status: criteria provided, multiple submitters, no conflicts (2 of 4 stars). 2 submissions from 2 submitters: Pathogenic (2). Last evaluated 2025-07-29.

Conditions:
Developmental and epileptic encephalopathy, 34 (DEE34). Also called: Early infantile epileptic encephalopathy 34; SLC12A5-Related Epilepsy of Infancy with Migrating Focal Seizures. Identifiers: Orphanet 293181, MedGen C4225257, MONDO:0014718, OMIM 616645.

Submissions (2):

Women's Health and Genetics/Laboratory Corporation of America, LabCorp
Classification: Pathogenic for Developmental and epileptic encephalopathy, 34. Last evaluated: 2025-07-29. Review status: criteria provided, single submitter. Criteria: LabCorp Variant Classification Summary - May 2015. Collection method: clinical testing. Allele origin: germline.
Comment: Variant summary: SLC12A5 c.2078G>A (p.Trp693X) results in a premature termination codon, predicted to cause a truncation of the encoded protein or absence of the protein due to nonsense mediated decay, which are commonly known mechanisms for disease. The variant was absent in 240124 control chromosomes. To our knowledge, no occurrence of c.2078G>A in individuals affected with Developmental And Epileptic Encephalopathy, 34 and no experimental evidence demonstrating its impact on protein function have been reported. ClinVar contains an entry for this variant (Variation ID: 3640285). Based on the evidence outlined above, the variant was classified as pathogenic.

Labcorp Genetics (formerly Invitae), Labcorp
Classification: Pathogenic for Developmental and epileptic encephalopathy, 34. Last evaluated: 2024-02-12. Review status: criteria provided, single submitter. Criteria: Invitae Variant Classification Sherloc (09022015). Collection method: clinical testing. Allele origin: germline.
Comment: This sequence change creates a premature translational stop signal (p.Trp670*) in the SLC12A5 gene. It is expected to result in an absent or disrupted protein product. Loss-of-function variants in SLC12A5 are known to be pathogenic (PMID: 26333769, 27436767). This variant is not present in population databases (gnomAD no frequency). This variant has not been reported in the literature in individuals affected with SLC12A5-related conditions. Algorithms developed to predict the effect of sequence changes on RNA splicing suggest that this variant may disrupt the consensus splice site. For these reasons, this variant has been classified as Pathogenic.

Literature cited by the submitters: PubMed 26333769 (cited by Labcorp Genetics (formerly Invitae), Labcorp); PubMed 27436767 (cited by Labcorp Genetics (formerly Invitae), Labcorp).

NM_020708.5(SLC12A5):c.2009G>A (p.Trp670Ter)

Gene: SLC12A5 (solute carrier family 12 member 5; plus strand). Cytogenetic location: 20q13.12.
Variant type: single nucleotide variant.
Coding change: c.2009G>A on transcript NM_020708.5 (MANE Select); coding-DNA position 2009, G replaced by A.
Protein change: p.Trp670Ter; replaces tryptophan 670 with a stop codon.
Molecular consequence: nonsense.
Genome position (GRCh38, 1-based): chr20:46,048,082, G>A. VCF-style: chr20-46048082-G-A. GRCh37 (hg19) VCF-style: chr20-44676721-G-A.
Other names: c.2078G>A, p.Trp693Ter (NM_001134771.2); short protein forms W670*, W693*.
Identifiers: ClinVar variation 3640285 (VCV003640285.3).